The following is an entry in ClinVar:

NM_001034853.2(RPGR):c.544_545del (p.Val182fs)

Gene: RPGR (retinitis pigmentosa GTPase regulator; minus strand). Cytogenetic location: Xp11.4.
Variant type: Microsatellite.
Coding change: c.544_545del on transcript NM_001034853.2 (MANE Select); coding-DNA positions 544 to 545, 2 bases deleted (GT; older notation c.544_545delGT).
Protein change: p.Val182fs; shifts the reading frame from valine 182.
Molecular consequence: frameshift variant. On other transcripts: non-coding transcript variant (5).
Genome position (GRCh38, 1-based): chrX:38,317,390-38,317,391, AC deleted on the plus strand (GT on the coding strand, the reverse complement: RPGR is on the minus strand); deleting any 2 consecutive bases within chrX:38,317,390-38,317,394 gives the same sequence; the c. name uses the placement nearest the transcript's 3' end. VCF-style (leftmost placement, unchanged base first): chrX-38317389-GAC-G. GRCh37 (hg19) VCF-style: chrX-38176642-GAC-G.
Other names: c.544_545del, p.Val182fs (NM_001367245.1, NM_001367250.1, NM_001367251.1 and 3 more transcripts); c.574_575del, p.Val192fs (NM_001367248.1); c.541_542del, p.Val181fs (NM_001367249.1); short protein forms V181fs, V182fs, V192fs.
Identifiers: ClinVar variation 1691867 (VCV001691867.3), dbSNP rs2147276819, ClinGen allele CA2580616972.

ClinVar aggregate classification (germline): Pathogenic (1 of 4 stars; one submission).

Conditions:
Retinitis pigmentosa 3. Also called: CHOROIDORETINAL DEGENERATION WITH RETINAL REFLEX IN HETEROZYGOUS WOMEN. Identifiers: Orphanet 791, MedGen C1845667, MONDO:0010227, OMIM 300029.

Submission:

Institute of Human Genetics, University of Leipzig Medical Center
Classification: Pathogenic for Retinitis pigmentosa 3. Last evaluated: 2022-05-30. Review status: criteria provided, single submitter. Criteria: ACMG Guidelines, 2015. Collection method: clinical testing. Allele origin: maternal. Inheritance: Autosomal dominant inheritance. Affected: yes.
Comment: Criteria applied: PVS1,PM2_SUP,PP4